The following is an entry in ClinVar:

NM_001276270.2(MBD4):c.63_64insCTCACCG (p.Ser22fs)

Gene: MBD4 (methyl-CpG binding domain 4, DNA glycosylase; minus strand). Cytogenetic location: 3q21.3.
Variant type: Insertion.
Coding change: c.63_64insCTCACCG on transcript NM_001276270.2 (MANE Select); coding-DNA positions 63 to 64, CTCACCG inserted.
Protein change: p.Ser22fs; shifts the reading frame from serine 22.
Molecular consequence: frameshift variant.
Genome position: GRCh38 VCF-style: chr3-129439770-A-ACGGTGAG. GRCh37 (hg19) VCF-style: chr3-129158613-A-ACGGTGAG.
Other names: c.63_64insCTCACCG, p.Ser22fs (NM_001276271.2, NM_001276272.2, NM_001276273.2 and 1 more transcripts); short protein forms S22fs.
Identifiers: ClinVar variation 5042286 (VCV005042286.1).

ClinVar aggregate classification (germline): Pathogenic (1 of 4 stars; one submission).

Conditions:
Tumor predisposition syndrome 2 (TPDS2). Also called: MBD4-ASSOCIATED NEOPLASIA SYNDROME; MBD4-Related Tumor Predisposition Syndrome; MBD4-associated neoplasia syndrome (MANS). Identifiers: Orphanet 661526, MedGen C5774186, MONDO:0859267, OMIM 619975.

Submission:

Myriad Genetics, Inc.
Classification: Pathogenic for Tumor predisposition syndrome 2. Last evaluated: 2026-09-14. Review status: criteria provided, single submitter. Criteria: Myriad Autosomal Dominant, Autosomal Recessive and X-Linked Classification Criteria (2023). Collection method: clinical testing. Allele origin: unknown.
Comment: This variant is considered pathogenic. This variant creates a frameshift predicted to result in premature protein truncation.